The following is an entry in ClinVar:

NM_181078.3(IL21R):c.1013C>T (p.Ala338Val)

Genes: IL21R (interleukin 21 receptor; plus strand), IL21R-AS1 (IL21R antisense RNA 1; minus strand), LOC130058712 (ATAC-STARR-seq lymphoblastoid active region 10626; plus strand). Cytogenetic location: 16p12.1.
Variant type: single nucleotide variant.
Coding change: c.1013C>T on transcript NM_181078.3 (MANE Select); coding-DNA position 1013, C replaced by T.
Protein change: p.Ala338Val; replaces alanine 338 with valine.
Molecular consequence: missense variant. On other transcripts: non-coding transcript variant (1).
Genome position (GRCh38, 1-based): chr16:27,448,679, C>T. VCF-style: chr16-27448679-C-T. GRCh37 (hg19) VCF-style: chr16-27460000-C-T.
Other names: c.1013C>T, p.Ala338Val (NM_021798.4); c.1079C>T, p.Ala360Val (NM_181079.5); short protein forms A338V, A360V.
Identifiers: ClinVar variation 844604 (VCV000844604.10), dbSNP rs2087529653, ClinGen allele CA395307014.

ClinVar aggregate classification (germline): Uncertain significance (1 of 4 stars; one submission).

Conditions:
Cryptosporidiosis-chronic cholangitis-liver disease syndrome. Also called: Immunodeficiency type 56; IL21R immunodeficiency. Identifiers: Orphanet 357329, MedGen C3554687, MONDO:0014082, OMIM 615207.

Submission:

Labcorp Genetics (formerly Invitae), Labcorp
Classification: Uncertain significance for Cryptosporidiosis-chronic cholangitis-liver disease syndrome. Last evaluated: 2023-10-13. Review status: criteria provided, single submitter. Criteria: Invitae Variant Classification Sherloc (09022015). Collection method: clinical testing. Allele origin: germline.
Comment: This sequence change replaces alanine, which is neutral and non-polar, with valine, which is neutral and non-polar, at codon 338 of the IL21R protein (p.Ala338Val). This variant is not present in population databases (gnomAD no frequency). This variant has not been reported in the literature in individuals affected with IL21R-related conditions. ClinVar contains an entry for this variant (Variation ID: 844604). Advanced modeling of protein sequence and biophysical properties (such as structural, functional, and spatial information, amino acid conservation, physicochemical variation, residue mobility, and thermodynamic stability) performed at Invitae indicates that this missense variant is not expected to disrupt IL21R protein function. In summary, the available evidence is currently insufficient to determine the role of this variant in disease. Therefore, it has been classified as a Variant of Uncertain Significance.